The following is an entry in ClinVar:

ClinVar aggregate classification (germline): Uncertain significance (1 of 4 stars; one submission).

Conditions:
Inborn genetic diseases. Identifiers: MedGen C0950123, MeSH D030342.

gnomAD v4.1: 1 of 1,613,998 alleles (0.000062%); highest among the groups gnomAD compares: Non-Finnish European, 0.000085%; no homozygotes.

Submission:

Ambry Genetics
Classification: Uncertain significance for Inborn genetic diseases. Last evaluated: 2025-05-19. Review status: criteria provided, single submitter. Criteria: Ambry Variant Classification Scheme 2023. Collection method: clinical testing. Allele origin: germline.
Comment: The p.V980I variant (also known as c.2938G>A), located in coding exon 24 of the ANKRD26 gene, results from a G to A substitution at nucleotide position 2938. The valine at codon 980 is replaced by isoleucine, an amino acid with highly similar properties. This amino acid position is conserved. In addition, this alteration is predicted to be tolerated by in silico analysis. Based on the available evidence, the clinical significance of this variant remains unclear.

NM_014915.3(ANKRD26):c.2938G>A (p.Val980Ile)

Gene: ANKRD26 (ankyrin repeat domain containing 26; minus strand). Cytogenetic location: 10p12.1.
Variant type: single nucleotide variant.
Coding change: c.2938G>A on transcript NM_014915.3 (MANE Select); coding-DNA position 2938, G replaced by A.
Protein change: p.Val980Ile; replaces valine 980 with isoleucine.
Molecular consequence: missense variant.
Genome position (GRCh38, 1-based): chr10:27,035,512, C>T on the plus strand (G>A on the coding strand, the complement: ANKRD26 is on the minus strand). VCF-style: chr10-27035512-C-T. GRCh37 (hg19) VCF-style: chr10-27324441-C-T.
Other names: c.2935G>A, p.Val979Ile (NM_001256053.2); short protein forms V979I, V980I.
Identifiers: ClinVar variation 3912299 (VCV003912299.1).